The following is an entry in ClinVar:

ClinVar aggregate classification (germline): Uncertain significance (1 of 4 stars; one submission).

Allele frequency attached by ClinVar (database versions not stated): TOPMed 0.00001; gnomAD exomes 0.00002; ExAC 0.00012.
gnomAD v4.1: 35 of 1,605,006 alleles (0.0022%); highest among the groups gnomAD compares: Non-Finnish European, 0.0026%; no homozygotes.

Submission:

Labcorp Genetics (formerly Invitae), Labcorp
Classification: Uncertain significance. Last evaluated: 2022-06-27. Review status: criteria provided, single submitter. Criteria: Invitae Variant Classification Sherloc (09022015). Collection method: clinical testing. Allele origin: germline.
Comment: This sequence change replaces valine, which is neutral and non-polar, with isoleucine, which is neutral and non-polar, at codon 712 of the PNPLA8 protein (p.Val712Ile). This variant is present in population databases (rs761296873, gnomAD 0.01%). This variant has not been reported in the literature in individuals affected with PNPLA8-related conditions. Algorithms developed to predict the effect of missense changes on protein structure and function (SIFT, PolyPhen-2, Align-GVGD) all suggest that this variant is likely to be tolerated. In summary, the available evidence is currently insufficient to determine the role of this variant in disease. Therefore, it has been classified as a Variant of Uncertain Significance.

NM_001256007.3(PNPLA8):c.2134G>A (p.Val712Ile)

Gene: PNPLA8 (patatin like domain 8, phospholipase A2; minus strand). Cytogenetic location: 7q31.1.
Variant type: single nucleotide variant.
Coding change: c.2134G>A on transcript NM_001256007.3 (MANE Select); coding-DNA position 2134, G replaced by A.
Protein change: p.Val712Ile; replaces valine 712 with isoleucine.
Molecular consequence: missense variant.
Genome position (GRCh38, 1-based): chr7:108,472,616, C>T on the plus strand (G>A on the coding strand, the complement: PNPLA8 is on the minus strand). VCF-style: chr7-108472616-C-T. GRCh37 (hg19) VCF-style: chr7-108113060-C-T.
Other names: c.2134G>A, p.Val712Ile (NM_001256008.3, NM_015723.5); c.1948G>A, p.Val650Ile (NM_001256009.3); c.1834G>A, p.Val612Ile (NM_001256010.3, NM_001256011.3); short protein forms V712I, V612I, V650I.
Identifiers: ClinVar variation 1914241 (VCV001914241.4), dbSNP rs761296873, ClinGen allele CA4439369.